The following is an entry in ClinVar:

ClinVar aggregate classification (germline): Uncertain significance (1 of 4 stars; one submission).

Conditions:
Brugada syndrome 4 (BRGDA4). Identifiers: Orphanet 130, MedGen C2678477, MONDO:0012743, OMIM 611876.

gnomAD v4.1: 7 of 1,607,492 alleles (0.00044%); highest among the groups gnomAD compares: African/African-American, 0.0013%; no homozygotes.

Submission:

Labcorp Genetics (formerly Invitae), Labcorp
Classification: Uncertain significance for Brugada syndrome 4. Last evaluated: 2025-07-15. Review status: criteria provided, single submitter. Criteria: Invitae Variant Classification Sherloc (09022015). Collection method: clinical testing. Allele origin: germline.
Comment: This sequence change replaces histidine, which is basic and polar, with asparagine, which is neutral and polar, at codon 364 of the CACNB2 protein (p.His364Asn). This variant is not present in population databases (gnomAD no frequency). This variant has not been reported in the literature in individuals affected with CACNB2-related conditions. ClinVar contains an entry for this variant (Variation ID: 3604432). Invitae Evidence Modeling of protein sequence and biophysical properties (such as structural, functional, and spatial information, amino acid conservation, physicochemical variation, residue mobility, and thermodynamic stability) indicates that this missense variant is not expected to disrupt CACNB2 protein function with a negative predictive value of 80%. In summary, the available evidence is currently insufficient to determine the role of this variant in disease. Therefore, it has been classified as a Variant of Uncertain Significance.

NM_201596.3(CACNB2):c.1252C>A (p.His418Asn)

Gene: CACNB2 (calcium voltage-gated channel auxiliary subunit beta 2; plus strand). Cytogenetic location: 10p12.31.
Variant type: single nucleotide variant.
Coding change: c.1252C>A on transcript NM_201596.3 (MANE Select); coding-DNA position 1252, C replaced by A.
Protein change: p.His418Asn; replaces histidine 418 with asparagine.
Molecular consequence: missense variant.
Genome position (GRCh38, 1-based): chr10:18,536,146, C>A. VCF-style: chr10-18536146-C-A. GRCh37 (hg19) VCF-style: chr10-18825075-C-A.
Other names: c.1087C>A, p.His363Asn (NM_000724.4); c.1054C>A, p.His352Asn (NM_001167945.2); c.973C>A, p.His325Asn (NM_001330060.2); c.994C>A, p.His332Asn (NM_001410882.1); c.1108C>A, p.His370Asn (NM_201570.3); c.1168C>A, p.His390Asn (NM_201571.4); c.1096C>A, p.His366Asn (NM_201572.4); c.1090C>A, p.His364Asn (NM_201590.3); and 2 more; short protein forms H325N, H332N, H352N, H363N, H364N, H366N, H370N, H380N.
Identifiers: ClinVar variation 3604432 (VCV003604432.2).
Genomic context (GRCh38, chr10:18,536,146, plus strand): 5'-CATTATCTTTTACAGGTTTTACAAAGGTTAATAAAATCTCGAGGGAAATCTCAAGCTAAA[C>A]ACCTCAACGTCCAGATGGTAGCAGCTGATAAACTGGCTCAGTGTCCTCCAGTAAGTTATC-3'
Protein context (NP_963890.2, residues 408-428): IKSRGKSQAK[His418Asn]LNVQMVAADK